The following is an entry in ClinVar:

NM_018294.6(CWF19L1):c.1299del (p.Asp434fs)

Gene: CWF19L1 (CWF19 like cell cycle control factor 1; minus strand). Cytogenetic location: 10q24.31.
Variant type: Deletion.
Coding change: c.1299del on transcript NM_018294.6 (MANE Select); coding-DNA position 1299, one base deleted (A; older notation c.1299delA).
Protein change: p.Asp434fs; shifts the reading frame from aspartic acid 434.
Molecular consequence: frameshift variant. On other transcripts: intron variant (1).
Genome position (GRCh38, 1-based): chr10:100,236,925, T deleted on the plus strand (A on the coding strand, the reverse complement: CWF19L1 is on the minus strand); the first of 3 consecutive T bases (chr10:100,236,925-100,236,927); deleting any one gives the same sequence. VCF-style (leftmost placement, unchanged base first): chr10-100236924-CT-C. GRCh37 (hg19) VCF-style: chr10-101996681-CT-C.
Other names: c.888del, p.Asp297fs (NM_001303405.2, NM_001303406.2); c.564del, p.Asp189fs (NM_001303407.2); c.1254+1097del (NM_001303404.2); short protein forms D189fs, D297fs, D434fs.
Identifiers: ClinVar variation 3775832 (VCV003775832.1).

ClinVar aggregate classification (germline): Likely pathogenic (1 of 4 stars; one submission).

Conditions:
Autosomal recessive spinocerebellar ataxia 17. Identifiers: Orphanet 453521, MedGen C4015301, MONDO:0014503, OMIM 616127.

Submission:

3billion
Classification: Likely pathogenic for Autosomal recessive spinocerebellar ataxia 17. Last evaluated: 2023-12-15. Review status: criteria provided, single submitter. Criteria: ACMG Guidelines, 2015. Collection method: clinical testing. Allele origin: germline. Affected: yes.
Comment: The variant is not observed in the gnomAD v2.1.1 dataset. Predicted Consequence/Location: Frameshift: predicted to result in a loss or disruption of normal protein function through nonsense-mediated decay (NMD) or protein truncation. Multiple pathogenic variants are reported downstream of the variant. Therefore, this variant is classified as Likely pathogenic according to the recommendation of ACMG/AMP guideline.